The following is an entry in ClinVar:

ClinVar aggregate classification (germline): Uncertain significance (1 of 4 stars; one submission).

Conditions:
Multiple acyl-CoA dehydrogenase deficiency (MADD). Also called: Glutaric aciduria, type 2; Glutaric acidemia type II; GA 2; ETHYLMALONIC-ADIPICACIDURIA; GA II; Glutaric Acidemia type 2. Identifiers: Orphanet 26791, MedGen C0268596, MONDO:0009282, OMIM 231680.

Allele frequency attached by ClinVar (database versions not stated): gnomAD exomes below 0.00001; ExAC 0.00003.
gnomAD v4.1: 6 of 1,606,542 alleles (0.00037%); highest among the groups gnomAD compares: Admixed American, 0.01%; no homozygotes.

Submission:

Labcorp Genetics (formerly Invitae), Labcorp
Classification: Uncertain significance for Multiple acyl-CoA dehydrogenase deficiency. Last evaluated: 2024-01-22. Review status: criteria provided, single submitter. Criteria: Invitae Variant Classification Sherloc (09022015). Collection method: clinical testing. Allele origin: germline.
Comment: This sequence change replaces alanine, which is neutral and non-polar, with threonine, which is neutral and polar, at codon 271 of the ETFA protein (p.Ala271Thr). This variant is present in population databases (rs752544152, gnomAD 0.02%). This variant has not been reported in the literature in individuals affected with ETFA-related conditions. ClinVar contains an entry for this variant (Variation ID: 2418780). Advanced modeling of protein sequence and biophysical properties (such as structural, functional, and spatial information, amino acid conservation, physicochemical variation, residue mobility, and thermodynamic stability) has been performed at Invitae for this missense variant, however the output from this modeling did not meet the statistical confidence thresholds required to predict the impact of this variant on ETFA protein function. In summary, the available evidence is currently insufficient to determine the role of this variant in disease. Therefore, it has been classified as a Variant of Uncertain Significance.

NM_000126.4(ETFA):c.811G>A (p.Ala271Thr)

Gene: ETFA (electron transfer flavoprotein subunit alpha; minus strand). Cytogenetic location: 15q24.2.
Variant type: single nucleotide variant.
Coding change: c.811G>A on transcript NM_000126.4 (MANE Select); coding-DNA position 811, G replaced by A.
Protein change: p.Ala271Thr; replaces alanine 271 with threonine.
Molecular consequence: missense variant.
Genome position (GRCh38, 1-based): chr15:76,274,417, C>T on the plus strand (G>A on the coding strand, the complement: ETFA is on the minus strand). VCF-style: chr15-76274417-C-T. GRCh37 (hg19) VCF-style: chr15-76566758-C-T.
Other names: c.664G>A, p.Ala222Thr (NM_001127716.2); short protein forms A222T, A271T.
Identifiers: ClinVar variation 2418780 (VCV002418780.5), dbSNP rs752544152, ClinGen allele CA7673619.